The following is an entry in ClinVar:

NM_001182.5(ALDH7A1):c.1200+1G>C

Gene: ALDH7A1 (aldehyde dehydrogenase 7 family member A1; minus strand). Cytogenetic location: 5q23.2.
Variant type: single nucleotide variant.
Coding change: c.1200+1G>C on transcript NM_001182.5 (MANE Select); the canonical splice donor site of the intron after coding-DNA position 1200, G replaced by C.
Molecular consequence: splice donor variant. On other transcripts: intron variant (1).
Genome position (GRCh38, 1-based): chr5:126,554,286, C>G on the plus strand (G>C on the coding strand, the complement: ALDH7A1 is on the minus strand). VCF-style: chr5-126554286-C-G. GRCh37 (hg19) VCF-style: chr5-125889978-C-G.
Other names: c.1009-2149G>C (NM_001202404.2); c.1116+1G>C (NM_001201377.2).
Identifiers: ClinVar variation 2852265 (VCV002852265.3), dbSNP rs1217642695, ClinGen allele CA360723730.

ClinVar aggregate classification (germline): Pathogenic (1 of 4 stars; one submission).

Conditions:
Pyridoxine-dependent epilepsy (EPEO4). Also called: PYRIDOXINE DEPENDENCY WITH SEIZURES; Pyridoxine-Dependent Seizures; EPILEPSY, EARLY-ONSET, 4, VITAMIN B6-DEPENDENT; Pyridoxine-Dependent Epilepsy - ALDH7A1. Identifiers: Orphanet 3006, MedGen C1849508, MONDO:0009945, OMIM 266100. Disease mechanism: loss of function.

Submission:

Labcorp Genetics (formerly Invitae), Labcorp
Classification: Pathogenic for Pyridoxine-dependent epilepsy. Last evaluated: 2023-04-06. Review status: criteria provided, single submitter. Criteria: Invitae Variant Classification Sherloc (09022015). Collection method: clinical testing. Allele origin: germline.
Comment: For these reasons, this variant has been classified as Pathogenic. Algorithms developed to predict the effect of sequence changes on RNA splicing suggest that this variant may disrupt the consensus splice site. Disruption of this splice site has been observed in individual(s) with pyridoxine-dependent epilepsy (PMID: 32395249). In at least one individual the data is consistent with being in trans (on the opposite chromosome) from a pathogenic variant. This variant is not present in population databases (gnomAD no frequency). This sequence change affects a donor splice site in intron 13 of the ALDH7A1 gene. It is expected to disrupt RNA splicing. Variants that disrupt the donor or acceptor splice site typically lead to a loss of protein function (PMID: 16199547), and loss-of-function variants in ALDH7A1 are known to be pathogenic (PMID: 16491085, 20554659).

Literature cited by the submitters: PubMed 32395249; PubMed 16199547; PubMed 16491085; PubMed 20554659.